The following is an entry in ClinVar:

NM_020708.5(SLC12A5):c.481+93A>G

Gene: SLC12A5 (solute carrier family 12 member 5; plus strand). Cytogenetic location: 20q13.12.
Variant type: single nucleotide variant.
Coding change: c.481+93A>G on transcript NM_020708.5 (MANE Select); 93 bases into the intron after coding-DNA position 481, A replaced by G.
Molecular consequence: intron variant.
Genome position (GRCh38, 1-based): chr20:46,036,888, A>G. VCF-style: chr20-46036888-A-G. GRCh37 (hg19) VCF-style: chr20-44665527-A-G.
Other names: NC_000020.10:g.44665527A>G; c.550+93A>G (NM_001134771.2).
Identifiers: ClinVar variation 3255310 (VCV003255310.3), dbSNP rs3746516.

ClinVar aggregate classification (germline): Benign (1 of 4 stars; one submission).

Allele frequency attached by ClinVar (database versions not stated): gnomAD exomes 0.02761; gnomAD 0.02896; 1000 Genomes Project 0.03315; TOPMed 0.03482.
gnomAD v4.1: 41,358 of 1,485,448 alleles (2.8%); highest among the groups gnomAD compares: Admixed American, 14%; 1,137 homozygotes.

Submissions (3):

Unidad de Genómica Garrahan, Hospital de Pediatría Garrahan
Classification: Benign. Last evaluated: 2024-07-15. Review status: criteria provided, single submitter. Criteria: ACMG Guidelines, 2015. Collection method: clinical testing. Allele origin: germline. Affected: no. Observed: 21 variant alleles.
Comment: This variant is classified as Benign based on local population frequency. This variant was detected in 23% of patients studied in a panel designed for Epileptic and Developmental Encephalopathy and Progressive Myoclonus Epilepsy. Number of patients: 21. Only high quality variants are reported.

Dr. Peter K. Rogan Lab, Western University
No classification provided (evidence only). Condition: Lung cancer. Review status: no classification provided. Collection method: in vitro. Allele origin: not applicable. Functional consequence: retained intron. Not counted in ClinVar's aggregate classification.

Dr. Peter K. Rogan Lab, Western University
No classification provided (evidence only). Condition: Ovarian serous cystadenocarcinoma. Review status: no classification provided. Collection method: in vitro. Allele origin: not applicable. Functional consequence: retained intron. Not counted in ClinVar's aggregate classification.